The following is an entry in ClinVar:

ClinVar aggregate classification (germline): Uncertain significance. Review status: criteria provided, multiple submitters, no conflicts (2 of 4 stars). 5 submissions from 5 submitters: Uncertain significance (5). Last evaluated 2026-07-21.

Conditions:
Ehlers-Danlos syndrome (EDS). Identifiers: Orphanet 98249, MedGen C0013720, MONDO:0020066.
Familial thoracic aortic aneurysm and aortic dissection (TAAD). Also called: Thoracic aortic aneurysms and dissections. Identifiers: Orphanet 91387, MedGen C4707243, MONDO:0019625.

Allele frequency attached by ClinVar (database versions not stated): gnomAD 0.00001.
gnomAD v4.1: 1 of 1,612,998 alleles (0.000062%); highest among the groups gnomAD compares: Non-Finnish European, 0.000085%; no homozygotes.

Submissions (5):

GeneDx
Classification: Uncertain significance. Last evaluated: 2026-07-21. Review status: criteria provided, single submitter. Criteria: GeneDx Variant Classification Process June 2021. Collection method: clinical testing. Allele origin: germline.
Comment: Not observed at significant frequency in large population cohorts (gnomAD); In silico analysis supports that this missense variant has a deleterious effect on protein structure/function; Has not been previously published as pathogenic or benign to our knowledge

Women's Health and Genetics/Laboratory Corporation of America, LabCorp
Classification: Uncertain significance. Last evaluated: 2026-03-31. Review status: criteria provided, single submitter. Criteria: LabCorp Variant Classification Summary - May 2015. Collection method: clinical testing. Allele origin: germline.
Comment: Variant summary: SMAD3 c.189G>C (p.Lys63Asn) results in a non-conservative amino acid change in the encoded protein sequence. Algorithms developed to predict the effect of missense changes on protein structure and function are either unavailable or do not agree on the potential impact of this missense change. The variant was absent in 246920 control chromosomes. The available data on variant occurrences in the general population are insufficient to allow any conclusion about variant significance. To our knowledge, no occurrence of c.189G>C in individuals affected with SMAD3-related conditions and no experimental evidence demonstrating its impact on protein function have been reported. ClinVar contains an entry for this variant (Variation ID: 451675). Based on the evidence outlined above, the variant was classified as uncertain significance.

Labcorp Genetics (formerly Invitae), Labcorp
Classification: Uncertain significance for Familial thoracic aortic aneurysm and aortic dissection. Last evaluated: 2025-10-27. Review status: criteria provided, single submitter. Criteria: Invitae Variant Classification Sherloc (09022015). Collection method: clinical testing. Allele origin: germline.
Comment: This sequence change replaces lysine, which is basic and polar, with asparagine, which is neutral and polar, at codon 63 of the SMAD3 protein (p.Lys63Asn). This variant is not present in population databases (gnomAD no frequency). This variant has not been reported in the literature in individuals affected with SMAD3-related conditions. ClinVar contains an entry for this variant (Variation ID: 451675). Invitae Evidence Modeling of protein sequence and biophysical properties (such as structural, functional, and spatial information, amino acid conservation, physicochemical variation, residue mobility, and thermodynamic stability) indicates that this missense variant is not expected to disrupt SMAD3 protein function with a negative predictive value of 80%. In summary, the available evidence is currently insufficient to determine the role of this variant in disease. Therefore, it has been classified as a Variant of Uncertain Significance.

Ambry Genetics
Classification: Uncertain significance for Familial thoracic aortic aneurysm and aortic dissection. Last evaluated: 2022-03-04. Review status: criteria provided, single submitter. Criteria: Ambry Variant Classification Scheme 2023. Collection method: clinical testing. Allele origin: germline.
Comment: The p.K63N variant (also known as c.189G>C), located in coding exon 1 of the SMAD3 gene, results from a G to C substitution at nucleotide position 189. The lysine at codon 63 is replaced by asparagine, an amino acid with similar properties. This amino acid position is conserved. In addition, this alteration is predicted to be tolerated by in silico analysis. Since supporting evidence is limited at this time, the clinical significance of this alteration remains unclear.

Genome Diagnostics Laboratory, The Hospital for Sick Children
Classification: Uncertain significance for Ehlers-Danlos syndrome. Last evaluated: 2018-10-01. Review status: criteria provided, single submitter. Criteria: ACMG Guidelines, 2015. Collection method: clinical testing. Allele origin: germline.

NM_005902.4(SMAD3):c.189G>C (p.Lys63Asn)

Gene: SMAD3 (SMAD family member 3; plus strand). Cytogenetic location: 15q22.33.
Variant type: single nucleotide variant.
Coding change: c.189G>C on transcript NM_005902.4 (MANE Select); coding-DNA position 189, G replaced by C.
Protein change: p.Lys63Asn; replaces lysine 63 with asparagine.
Molecular consequence: missense variant.
Genome position (GRCh38, 1-based): chr15:67,066,343, G>C. VCF-style: chr15-67066343-G-C. GRCh37 (hg19) VCF-style: chr15-67358681-G-C.
Other names: short protein forms K63N.
Identifiers: ClinVar variation 451675 (VCV000451675.28), dbSNP rs1555405116, ClinGen allele CA393203089.